The following is an entry in ClinVar:

NM_004655.4(AXIN2):c.2304C>G (p.Tyr768Ter)

Gene: AXIN2 (axin 2; minus strand). Cytogenetic location: 17q24.1.
Variant type: single nucleotide variant.
Coding change: c.2304C>G on transcript NM_004655.4 (MANE Select); coding-DNA position 2304, C replaced by G.
Protein change: p.Tyr768Ter; replaces tyrosine 768 with a stop codon.
Molecular consequence: nonsense.
Genome position (GRCh38, 1-based): chr17:65,534,013, G>C on the plus strand (C>G on the coding strand, the complement: AXIN2 is on the minus strand). VCF-style: chr17-65534013-G-C. GRCh37 (hg19) VCF-style: chr17-63530131-G-C.
Other names: c.2109C>G, p.Tyr703Ter (NM_001363813.1); short protein forms Y703*, Y768*.
Identifiers: ClinVar variation 1306405 (VCV001306405.2), dbSNP rs2144419495, ClinGen allele CA400675549.
Genomic context (GRCh38, chr17:65,534,013, plus strand): 5'-CAGGGTCAAGCTCTGAGCCTTCAGCATCCTCCGGTATGGAATTTCTTCCCCACAGAAAAA[G>C]TAAGTGACAACCAACTCACTGGCCTGGAGCGCGTGGACACCTGCCAGTTTCTTTGGCTCT-3'

ClinVar aggregate classification (germline): Uncertain significance (1 of 4 stars; one submission).

Submission:

GeneDx
Classification: Uncertain significance. Last evaluated: 2019-06-04. Review status: criteria provided, single submitter. Criteria: GeneDx Variant Classification Process June 2021. Collection method: clinical testing. Allele origin: germline. Affected: yes.
Comment: Not observed in large population cohorts (Lek et al., 2016); Nonsense variant predicted to result in protein truncation, although loss-of-function variants have not been reported downstream of this position in the protein; Has not been previously published as pathogenic or benign to our knowledge